The following is an entry in ClinVar:

NM_001852.4(COL9A2):c.364-8C>T

Gene: COL9A2 (collagen type IX alpha 2 chain; minus strand). Cytogenetic location: 1p34.2.
Variant type: single nucleotide variant.
Coding change: c.364-8C>T on transcript NM_001852.4 (MANE Select); 8 bases into the intron before coding-DNA position 364, C replaced by T.
Molecular consequence: intron variant.
Genome position (GRCh38, 1-based): chr1:40,312,120, G>A on the plus strand (C>T on the coding strand, the complement: COL9A2 is on the minus strand). VCF-style: chr1-40312120-G-A. GRCh37 (hg19) VCF-style: chr1-40777792-G-A.
Other names: p.?.
Identifiers: ClinVar variation 258389 (VCV000258389.22), dbSNP rs11207843, ClinGen allele CA791963.
Genomic context (GRCh38, chr1:40,312,120, plus strand): 5'-TTGGGGCCTCGGATTCCAATCTCACCAGGGAGGCCAACAGGTCCAGGAGGCCCCTGGGGA[G>A]CAGAGAGTTGATGGTCAGGATGCCTCAGAGGGTCAGATACCCTGGGCACAAAGGTAGAGA-3'

ClinVar aggregate classification (germline): Benign. Review status: criteria provided, multiple submitters, no conflicts (2 of 4 stars). 11 submissions from 11 submitters: Benign (9). 2 of the submissions do not count toward it. Last evaluated 2026-05-09.

Conditions:
Epiphyseal dysplasia, multiple, 2 (EDM2). Also called: COL9A2-Related Multiple Epiphyseal Dysplasia. Identifiers: MedGen C1838429, MONDO:0010844, OMIM 600204.

Allele frequency attached by ClinVar (database versions not stated): gnomAD exomes 0.00975 and 0.02954; ESP Exome Variant Server 0.01553; gnomAD 0.02379 and 0.02505; ExAC 0.03012; TOPMed 0.03074; 1000 Genomes Project 0.05232; 1000 Genomes Project 30x 0.05340.
gnomAD v4.1: 18,219 of 1,598,620 alleles (1.1%); highest among the groups gnomAD compares: East Asian, 11%; 665 homozygotes.

Submissions (11):

Women's Health and Genetics/Laboratory Corporation of America, LabCorp
Classification: Benign. Last evaluated: 2026-05-09. Review status: criteria provided, single submitter. Criteria: LabCorp Variant Classification Summary - May 2015. Collection method: clinical testing. Allele origin: germline.

Labcorp Genetics (formerly Invitae), Labcorp
Classification: Benign. Last evaluated: 2026-02-03. Review status: criteria provided, single submitter. Criteria: Invitae Variant Classification Sherloc (09022015). Collection method: clinical testing. Allele origin: germline.

Blueprint Genetics
Classification: Benign. Last evaluated: 2024-11-26. Review status: criteria provided, single submitter. Criteria: ACMG Guidelines, 2015. Collection method: clinical testing. Allele origin: germline.

Mayo Clinic Laboratories, Mayo Clinic
Classification: Benign. Last evaluated: 2022-04-17. Review status: criteria provided, single submitter. Criteria: ACMG Guidelines, 2015. Collection method: clinical testing. Allele origin: germline. Observed: 6 variant alleles.

Athena Diagnostics
Classification: Benign. Last evaluated: 2018-05-24. Review status: criteria provided, single submitter. Criteria: Athena Diagnostics Criteria. Collection method: clinical testing. Allele origin: germline.

Illumina Laboratory Services, Illumina
Classification: Benign for Epiphyseal dysplasia, multiple, 2. Last evaluated: 2018-01-13. Review status: criteria provided, single submitter. Criteria: ICSL Variant Classification Criteria 13 December 2019. Collection method: clinical testing. Allele origin: germline.
Comment: This variant was observed in the ICSL laboratory as part of a predisposition screen in an ostensibly healthy population. It had not been previously curated by ICSL or reported in the Human Gene Mutation Database (HGMD: prior to June 1st, 2018), and was therefore a candidate for classification through an automated scoring system. Utilizing variant allele frequency, disease prevalence and penetrance estimates, and inheritance mode, an automated score was calculated to assess if this variant is too frequent to cause the disease. Based on the score and internal cut-off values, a variant classified as benign is not then subjected to further curation. The score for this variant resulted in a classification of benign for this disease.

GeneDx
Classification: Benign. Last evaluated: 2016-12-20. Review status: criteria provided, single submitter. Criteria: GeneDx Variant Classification (06012015). Collection method: clinical testing. Allele origin: germline. Affected: yes.
Comment: This variant is considered likely benign or benign based on one or more of the following criteria: it is a conservative change, it occurs at a poorly conserved position in the protein, it is predicted to be benign by multiple in silico algorithms, and/or has population frequency not consistent with disease.

Breakthrough Genomics
Classification: Benign. Review status: criteria provided, single submitter. Criteria: ACMG Guidelines, 2015. Collection method: not provided. Allele origin: germline. Inheritance: Autosomal recessive inheritance. Affected: yes.

PreventionGenetics, part of Exact Sciences
Classification: Benign. Review status: criteria provided, single submitter. Criteria: ACMG Guidelines, 2015. Collection method: clinical testing. Allele origin: germline.

Joint Genome Diagnostic Labs from Nijmegen and Maastricht, Radboudumc and MUMC+
Classification: Benign. Review status: no assertion criteria provided. Collection method: clinical testing. Allele origin: germline. Affected: yes. Study: VKGL Data-share Consensus. Not counted in ClinVar's aggregate classification.

Laboratory of Diagnostic Genome Analysis, Leiden University Medical Center (LUMC)
Classification: Likely benign. Review status: no assertion criteria provided. Collection method: clinical testing. Allele origin: germline. Affected: yes. Study: VKGL Data-share Consensus. Not counted in ClinVar's aggregate classification.